The following is an entry in ClinVar:

ClinVar aggregate classification (germline): Pathogenic. Review status: criteria provided, multiple submitters, no conflicts (2 of 4 stars). 5 submissions from 5 submitters: Pathogenic (5). Last evaluated 2026-08-01.

Conditions:
PKLR-related disorder. Also called: PKLR-related condition.

Allele frequency attached by ClinVar (database versions not stated): TOPMed below 0.00001; gnomAD exomes 0.00001; gnomAD 0.00002.
gnomAD v4.1: 11 of 1,613,924 alleles (0.00068%); highest among the groups gnomAD compares: South Asian, 0.0022%; no homozygotes.

Submissions (5):

CeGaT Center for Human Genetics Tuebingen
Classification: Pathogenic. Last evaluated: 2026-08-01. Review status: criteria provided, single submitter. Criteria: CeGaT Center For Human Genetics Tuebingen Variant Classification Criteria Version 2. Collection method: clinical testing. Allele origin: germline. Affected: yes. Observed: 1 variant allele.
Comment: PKLR: PM3:Very Strong, PVS1, PM2, PP4

Labcorp Genetics (formerly Invitae), Labcorp
Classification: Pathogenic. Last evaluated: 2025-10-27. Review status: criteria provided, single submitter. Criteria: Invitae Variant Classification Sherloc (09022015). Collection method: clinical testing. Allele origin: germline.
Comment: This sequence change creates a premature translational stop signal (p.Arg510*) in the PKLR gene. It is expected to result in an absent or disrupted protein product. Loss-of-function variants in PKLR are known to be pathogenic (PMID: 15953013, 26832193). This variant is present in population databases (no rsID available, gnomAD 0.004%). This premature translational stop signal has been observed in individual(s) with PKLR-related conditions (PMID: 26524058, 29396846). ClinVar contains an entry for this variant (Variation ID: 1162853). Algorithms developed to predict the effect of sequence changes on RNA splicing suggest that this variant may disrupt the consensus splice site. For these reasons, this variant has been classified as Pathogenic.

Blueprint Genetics
Classification: Pathogenic for PKLR-related disorders. Last evaluated: 2024-07-11. Review status: criteria provided, single submitter. Criteria: ACMG Guidelines, 2015. Collection method: clinical testing. Allele origin: germline. Affected: yes. Observed: 3 variant alleles.

Revvity Omics, Revvity
Classification: Pathogenic. Last evaluated: 2023-08-01. Review status: criteria provided, single submitter. Criteria: ACMG Guidelines, 2015. Collection method: clinical testing. Allele origin: germline.

Mayo Clinic Laboratories, Mayo Clinic
Classification: Pathogenic. Last evaluated: 2019-10-04. Review status: criteria provided, single submitter. Criteria: ACMG Guidelines, 2015. Collection method: clinical testing. Allele origin: germline. Observed: 1 variant allele.
Comment: PVS1, PS4_supporting, PP4

Literature cited by the submitters: PubMed 15953013 (cited by Labcorp Genetics (formerly Invitae), Labcorp); PubMed 26832193 (cited by Labcorp Genetics (formerly Invitae), Labcorp and Mayo Clinic Laboratories, Mayo Clinic); PubMed 26524058 (cited by Labcorp Genetics (formerly Invitae), Labcorp); PubMed 29396846 (cited by Labcorp Genetics (formerly Invitae), Labcorp and Mayo Clinic Laboratories, Mayo Clinic); PubMed 26087744 (cited by Mayo Clinic Laboratories, Mayo Clinic); PubMed 9657767 (cited by Mayo Clinic Laboratories, Mayo Clinic); PubMed 10916678 (cited by Mayo Clinic Laboratories, Mayo Clinic); PubMed 29349879 (cited by Mayo Clinic Laboratories, Mayo Clinic); PubMed 25941984 (cited by Mayo Clinic Laboratories, Mayo Clinic); PubMed 29309376 (cited by Mayo Clinic Laboratories, Mayo Clinic); PubMed 11960989 (cited by Mayo Clinic Laboratories, Mayo Clinic); PubMed 19442261 (cited by Mayo Clinic Laboratories, Mayo Clinic).

NM_000298.6(PKLR):c.1528C>T (p.Arg510Ter)

Gene: PKLR (pyruvate kinase L/R; minus strand). Cytogenetic location: 1q22.
Variant type: single nucleotide variant.
Coding change: c.1528C>T on transcript NM_000298.6 (MANE Select); coding-DNA position 1528, C replaced by T.
Protein change: p.Arg510Ter; replaces arginine 510 with a stop codon.
Molecular consequence: nonsense.
Genome position (GRCh38, 1-based): chr1:155,291,846, G>A on the plus strand (C>T on the coding strand, the complement: PKLR is on the minus strand). VCF-style: chr1-155291846-G-A. GRCh37 (hg19) VCF-style: chr1-155261637-G-A.
Other names: c.1435C>T, p.Arg479Ter (NM_181871.4); short protein forms R479*, R510*.
Identifiers: ClinVar variation 1162853 (VCV001162853.11), dbSNP rs1331742633, ClinGen allele CA342750975.